The following is an entry in ClinVar:

ClinVar aggregate classification (germline): Benign/Likely benign. Review status: criteria provided, multiple submitters, no conflicts (2 of 4 stars). 2 submissions from 2 submitters: Benign (1); Likely benign (1). Last evaluated 2024-01-29.

Allele frequency attached by ClinVar (database versions not stated): gnomAD 0.00001; ExAC 0.00004; TOPMed 0.00004; gnomAD exomes 0.00005 and 0.00008.
gnomAD v4.1: 110 of 1,599,348 alleles (0.0069%); highest among the groups gnomAD compares: Non-Finnish European, 0.009%; no homozygotes.

Submissions (2):

Labcorp Genetics (formerly Invitae), Labcorp
Classification: Likely benign. Last evaluated: 2024-01-29. Review status: criteria provided, single submitter. Criteria: Invitae Variant Classification Sherloc (09022015). Collection method: clinical testing. Allele origin: germline.

Women's Health and Genetics/Laboratory Corporation of America, LabCorp
Classification: Benign. Last evaluated: 2023-10-17. Review status: criteria provided, single submitter. Criteria: LabCorp Variant Classification Summary - May 2015. Collection method: clinical testing. Allele origin: germline.
Comment: Variant summary: AQP2 c.375G>A alters a non-conserved nucleotide resulting in a synonymous change. Consensus agreement among computation tools predict no significant impact on normal splicing. However, these predictions have yet to be confirmed by functional studies. The variant allele was found at a frequency of 4.5e-05 in 241810 control chromosomes, predominantly at a frequency of 8.8e-05 within the Non-Finnish European subpopulation in the gnomAD database. The observed variant frequency within Non-Finnish European control individuals in the gnomAD database is approximately 280 fold of the estimated maximal expected allele frequency for a pathogenic variant in AQP2 causing Nephrogenic Diabetes Insipidus phenotype (3.1e-07), strongly suggesting that the variant is a benign polymorphism found primarily in populations of Non-Finnish European origin. To our knowledge, no occurrence of c.375G>A in individuals affected with Nephrogenic Diabetes Insipidus and no experimental evidence demonstrating its impact on protein function have been reported. One submitter has cited clinical-significance assessments for this variant to ClinVar after 2014 and has classified the variant as likely benign. Based on the evidence outlined above, the variant was classified as benign.

NM_000486.6(AQP2):c.375G>A (p.Thr125=)

Genes: AQP2 (aquaporin 2; plus strand), AQP5-AS1 (AQP5 and AQP2 antisense RNA 2; minus strand). Cytogenetic location: 12q13.12.
Variant type: single nucleotide variant.
Coding change: c.375G>A on transcript NM_000486.6 (MANE Select); coding-DNA position 375, G replaced by A.
Protein change: p.Thr125=; no amino-acid change (threonine 125 retained).
Molecular consequence: synonymous variant. On other transcripts: non-coding transcript variant (1).
Genome position (GRCh38, 1-based): chr12:49,954,169, G>A. VCF-style: chr12-49954169-G-A. GRCh37 (hg19) VCF-style: chr12-50347952-G-A.
Identifiers: ClinVar variation 1148548 (VCV001148548.9), dbSNP rs772192893, ClinGen allele CA6559230.
Genomic context (GRCh38, chr12:49,954,169, plus strand): 5'-GAAAGTGGGCTCAGTGTTCCCCTACCCGCCTCTTCTCTGTCCCCAGCTCAGCAACAGCAC[G>A]ACGGCTGGCCAGGCGGTGACTGTGGAGCTCTTCCTGACACTGCAGCTGGTGCTCTGCATC-3'
Protein context (NP_000477.1, residues 115-135): DLAVNALSNS[Thr125=]TAGQAVTVEL